The following is an entry in ClinVar:

NM_001692.4(ATP6V1B1):c.368-6C>T

Gene: ATP6V1B1 (ATPase H+ transporting V1 subunit B1; plus strand). Cytogenetic location: 2p13.3.
Variant type: single nucleotide variant.
Coding change: c.368-6C>T on transcript NM_001692.4 (MANE Select); 6 bases into the intron before coding-DNA position 368, C replaced by T.
Molecular consequence: intron variant.
Genome position (GRCh38, 1-based): chr2:70,959,012, C>T. VCF-style: chr2-70959012-C-T. GRCh37 (hg19) VCF-style: chr2-71186142-C-T.
Identifiers: ClinVar variation 227181 (VCV000227181.18), dbSNP rs200038589, ClinGen allele CA1701028.

ClinVar aggregate classification (germline): Likely benign. Review status: criteria provided, multiple submitters, no conflicts (2 of 4 stars). 5 submissions from 5 submitters: Likely benign (3). 2 of the submissions do not count toward it. Last evaluated 2026-01-22.

Conditions:
Renal tubular acidosis with progressive nerve deafness. Also called: renal tubular acidosis, distal, 2, with progressive sensorineural hearing loss; Distal Renal Tubular Acidosis with Progressive Sensorineural Deafness; RENAL TUBULAR ACIDOSIS, AUTOSOMAL RECESSIVE, WITH PROGRESSIVE NERVE DEAFNESS; RTA WITH PROGRESSIVE NERVE DEAFNESS. Identifiers: MedGen C0403554, MONDO:0009968, OMIM 267300.

Allele frequency attached by ClinVar (database versions not stated): gnomAD exomes 0.00010 and 0.00014; ExAC 0.00011; TOPMed 0.00012; 1000 Genomes Project 30x 0.00016; gnomAD 0.00016 and 0.00017; 1000 Genomes Project 0.00020; ESP Exome Variant Server 0.00031.
gnomAD v4.1: 239 of 1,613,984 alleles (0.015%); highest among the groups gnomAD compares: Middle Eastern, 0.05%; no homozygotes.

Submissions (5):

Labcorp Genetics (formerly Invitae), Labcorp
Classification: Likely benign. Last evaluated: 2026-01-22. Review status: criteria provided, single submitter. Criteria: Invitae Variant Classification Sherloc (09022015). Collection method: clinical testing. Allele origin: germline.

Blueprint Genetics
Classification: Likely benign. Last evaluated: 2024-11-13. Review status: criteria provided, single submitter. Criteria: ACMG Guidelines, 2015. Collection method: clinical testing. Allele origin: germline.

Laboratory for Molecular Medicine, Mass General Brigham Personalized Medicine
Classification: Likely benign. Last evaluated: 2015-06-16. Review status: criteria provided, single submitter. Criteria: LMM Criteria. Collection method: clinical testing. Allele origin: germline. Observed: 1 variant allele.
Comment: c.368-6C>T in intron 4 of ATP6V1B1: ThisThis variant is not expected to have cli nical significance because a C>T change at this position does not diverge from t he splice consensus sequence and is therefore unlikely to impact splicing. This variant has been identified in (9/65446) of European chromosomes by the Exome Ag gregation Consortium (ExAC; dbSNP rs200038589).

Natera, Inc.
Classification: Uncertain significance for Renal tubular acidosis with progressive nerve deafness. Last evaluated: 2019-11-11. Review status: no assertion criteria provided. Collection method: clinical testing. Allele origin: germline. Not counted in ClinVar's aggregate classification.

Counsyl
Classification: Uncertain significance for Renal tubular acidosis with progressive nerve deafness. Last evaluated: 2017-05-18. Review status: no assertion criteria provided. Collection method: clinical testing. Allele origin: unknown. Not counted in ClinVar's aggregate classification.